The following is an entry in ClinVar:

ClinVar aggregate classification (germline): Uncertain significance. Review status: criteria provided, multiple submitters, no conflicts (2 of 4 stars). 2 submissions from 2 submitters: Uncertain significance (2). Last evaluated 2025-11-26.

Conditions:
Inborn genetic diseases. Identifiers: MedGen C0950123, MeSH D030342.
Baller-Gerold syndrome (BGS). Also called: CRANIOSYNOSTOSIS WITH RADIAL DEFECTS. Identifiers: Orphanet 1225, MedGen C0265308, MONDO:0009039, OMIM 218600.

Allele frequency attached by ClinVar (database versions not stated): TOPMed 0.00001.

Submissions (2):

Ambry Genetics
Classification: Uncertain significance for Inborn genetic diseases. Last evaluated: 2025-11-26. Review status: criteria provided, single submitter. Criteria: Ambry Variant Classification Scheme 2023. Collection method: clinical testing. Allele origin: germline.

Labcorp Genetics (formerly Invitae), Labcorp
Classification: Uncertain significance for Baller-Gerold syndrome. Last evaluated: 2022-09-01. Review status: criteria provided, single submitter. Criteria: Invitae Variant Classification Sherloc (09022015). Collection method: clinical testing. Allele origin: germline.
Comment: ClinVar contains an entry for this variant (Variation ID: 1021871). This variant has not been reported in the literature in individuals affected with RECQL4-related conditions. This variant is not present in population databases (gnomAD no frequency). This sequence change replaces alanine, which is neutral and non-polar, with valine, which is neutral and non-polar, at codon 17 of the RECQL4 protein (p.Ala17Val). In summary, the available evidence is currently insufficient to determine the role of this variant in disease. Therefore, it has been classified as a Variant of Uncertain Significance. Experimental studies and prediction algorithms are not available or were not evaluated, and the functional significance of this variant is currently unknown.

NM_004260.4(RECQL4):c.50C>T (p.Ala17Val)

Genes: RECQL4 (RecQ like helicase 4; minus strand), LOC130001411 (ATAC-STARR-seq lymphoblastoid silent region 19699; plus strand). Cytogenetic location: 8q24.3.
Variant type: single nucleotide variant.
Coding change: c.50C>T on transcript NM_004260.4 (MANE Select); coding-DNA position 50, C replaced by T.
Protein change: p.Ala17Val; replaces alanine 17 with valine.
Molecular consequence: missense variant.
Genome position (GRCh38, 1-based): chr8:144,517,735, G>A on the plus strand (C>T on the coding strand, the complement: RECQL4 is on the minus strand). VCF-style: chr8-144517735-G-A. GRCh37 (hg19) VCF-style: chr8-145743119-G-A.
Other names: c.50C>T (NM_004260.3); short protein forms A17V.
Identifiers: ClinVar variation 1021871 (VCV001021871.7), dbSNP rs1815433589, ClinGen allele CA372693786.